The following is an entry in ClinVar:

ClinVar aggregate classification (germline): Uncertain significance. Review status: criteria provided, multiple submitters, no conflicts (2 of 4 stars). 2 submissions from 2 submitters: Uncertain significance (2). Last evaluated 2023-08-09.

Conditions:
RASopathy. Also called: rasopathies; Noonan spectrum disorder. Identifiers: Orphanet 536391, MedGen C5555857, MONDO:0021060.

Allele frequency attached by ClinVar (database versions not stated): gnomAD exomes below 0.00001.
gnomAD v4.1: 6 of 1,609,846 alleles (0.00037%); highest among the groups gnomAD compares: South Asian, 0.0022%; no homozygotes.

Submissions (2):

Labcorp Genetics (formerly Invitae), Labcorp
Classification: Uncertain significance for RASopathy. Last evaluated: 2023-08-09. Review status: criteria provided, single submitter. Criteria: Invitae Variant Classification Sherloc (09022015). Collection method: clinical testing. Allele origin: germline.
Comment: This variant has not been reported in the literature in individuals affected with SOS1-related conditions. ClinVar contains an entry for this variant (Variation ID: 45349). Advanced modeling of protein sequence and biophysical properties (such as structural, functional, and spatial information, amino acid conservation, physicochemical variation, residue mobility, and thermodynamic stability) performed at Invitae indicates that this missense variant is expected to disrupt SOS1 protein function. In summary, the available evidence is currently insufficient to determine the role of this variant in disease. Therefore, it has been classified as a Variant of Uncertain Significance. This variant is present in population databases (rs397517155, gnomAD 0.003%). This sequence change replaces proline, which is neutral and non-polar, with leucine, which is neutral and non-polar, at codon 684 of the SOS1 protein (p.Pro684Leu).

Laboratory for Molecular Medicine, Mass General Brigham Personalized Medicine
Classification: Uncertain significance. Last evaluated: 2011-01-13. Review status: criteria provided, single submitter. Criteria: LMM Criteria. Collection method: clinical testing. Allele origin: germline. Observed: 2 variant alleles.
Comment: Variant classified as Uncertain Significance - Favor Pathogenic.

NM_005633.4(SOS1):c.2051C>T (p.Pro684Leu)

Gene: SOS1 (SOS Ras/Rac guanine nucleotide exchange factor 1; minus strand). Cytogenetic location: 2p22.1.
Variant type: single nucleotide variant.
Coding change: c.2051C>T on transcript NM_005633.4 (MANE Select); coding-DNA position 2051, C replaced by T.
Protein change: p.Pro684Leu; replaces proline 684 with leucine.
Molecular consequence: missense variant.
Genome position (GRCh38, 1-based): chr2:39,013,879, G>A on the plus strand (C>T on the coding strand, the complement: SOS1 is on the minus strand). VCF-style: chr2-39013879-G-A. GRCh37 (hg19) VCF-style: chr2-39241020-G-A.
Other names: c.2030C>T, p.Pro677Leu (NM_001382394.1); c.2051C>T, p.Pro684Leu (NM_001382395.1); short protein forms P684L, P677L.
Identifiers: ClinVar variation 45349 (VCV000045349.8), dbSNP rs397517155, ClinGen allele CA136091.
Genomic context (GRCh38, chr2:39,013,879, plus strand): 5'-AACGAAAGTTTGATAAAGACTTATTTACTTCATTTATTTAATGCTTACCGCAGTTGCACA[G>A]GCTGTATATATTCTTTTCTAAATCTTTTCAGTTCTGCACTCAAGGGTTGATCTCCATTCT-3'
Protein context (NP_005624.2, residues 674-694): LKRFRKEYIQ[Pro684Leu]VQLRVLNVCR